The following is an entry in ClinVar:

NM_015021.3(ZNF292):c.3431A>G (p.Asn1144Ser)

Gene: ZNF292 (zinc finger protein 292; plus strand). Cytogenetic location: 6q14.3.
Variant type: single nucleotide variant.
Coding change: c.3431A>G on transcript NM_015021.3 (MANE Select); coding-DNA position 3431, A replaced by G.
Protein change: p.Asn1144Ser; replaces asparagine 1144 with serine.
Molecular consequence: missense variant.
Genome position (GRCh38, 1-based): chr6:87,257,060, A>G. VCF-style: chr6-87257060-A-G. GRCh37 (hg19) VCF-style: chr6-87966778-A-G.
Other names: c.3011A>G, p.Asn1004Ser (NM_001351444.2); short protein forms N1004S, N1144S.
Identifiers: ClinVar variation 4538483 (VCV004538483.1).

ClinVar aggregate classification (germline): Uncertain significance (1 of 4 stars; one submission).

Conditions:
Intellectual developmental disorder, autosomal dominant 64. Also called: MENTAL RETARDATION, AUTOSOMAL DOMINANT 64. Identifiers: MedGen C5543067, MONDO:0030934, OMIM 619188.

Submission:

Genetics Department, Catlab
Classification: Uncertain significance for Intellectual developmental disorder, autosomal dominant 64. Last evaluated: 2025-12-18. Review status: criteria provided, single submitter. Criteria: ACMG Guidelines, 2015. Collection method: clinical testing. Allele origin: germline. Affected: yes.
Comment: The c.3431A>G missense variant changes an asparagine at position 1144 of the protein for a serine. The variant is absent from the gnomAD v4.1 (PM2_moderate). With all the available evidence, the variant is classified as of uncertain significance.